The following is an entry in ClinVar:

NM_001164508.2(NEB):c.22831C>T (p.Arg7611Ter)

Genes: NEB (nebulin; minus strand), RIF1 (replication timing regulatory factor 1; plus strand). Cytogenetic location: 2q23.3.
Variant type: single nucleotide variant.
Coding change: c.22831C>T on transcript NM_001164508.2 (MANE Select); coding-DNA position 22831, C replaced by T.
Protein change: p.Arg7611Ter; replaces arginine 7611 with a stop codon.
Molecular consequence: nonsense.
Genome position (GRCh38, 1-based): chr2:151,516,533, G>A on the plus strand (C>T on the coding strand, the complement: NEB is on the minus strand). VCF-style: chr2-151516533-G-A. GRCh37 (hg19) VCF-style: chr2-152373047-G-A.
Other names: c.22831C>T, p.Arg7611Ter (NM_001164507.2); c.22936C>T, p.Arg7646Ter (NM_001271208.2); c.17728C>T, p.Arg5910Ter (NM_004543.5); short protein forms R5910*, R7646*, R7611*.
Identifiers: ClinVar variation 918157 (VCV000918157.22), dbSNP rs555582398, ClinGen allele CA1906519.

ClinVar aggregate classification (germline): Pathogenic. Review status: criteria provided, multiple submitters, no conflicts (2 of 4 stars). 8 submissions from 8 submitters: Pathogenic (6). 2 of the submissions do not count toward it. Last evaluated 2025-01-27.

Conditions:
Nemaline myopathy 2 (NEM2). Also called: Nemaline myopathy 2, autosomal recessive. Identifiers: MedGen C1850569, MONDO:0009725, OMIM 256030.
Arthrogryposis multiplex congenita 6. Identifiers: MedGen C5543431, MONDO:0030281, OMIM 619334.
Nemaline myopathy. Also called: Myopathies, Nemaline. Identifiers: Orphanet 607, MedGen C0206157, MONDO:0018958.

Allele frequency attached by ClinVar (database versions not stated): ExAC 0.00001; gnomAD 0.00001; gnomAD exomes 0.00001 and 0.00003.
gnomAD v4.1: 36 of 1,612,186 alleles (0.0022%); highest among the groups gnomAD compares: Non-Finnish European, 0.0028%; no homozygotes.

Submissions (8):

Natera, Inc.
Classification: Pathogenic for Nemaline myopathy type 2. Last evaluated: 2025-01-27. Review status: criteria provided, single submitter. Criteria: Natera Variant Classification Schema (03/2026). Collection method: clinical testing. Allele origin: germline.
Comment: The c.22936C>T variant in NEB is a nonsense variant predicted to introduce a stop codon at amino acid 7646. This variant is expected to result in nonsense mediated decay, truncation, or a dysfunctional protein product. This variant is rare in the general population with a frequency below the threshold expected for the associated phenotype(s). This variant has been observed in one or more individuals affected with the associated recessive disease, as either homozygous or compound heterozygous with a second variant (PMID: 25205138). Given the available evidence, this variant is classified as Pathogenic.

Baylor Genetics
Classification: Pathogenic for Arthrogryposis multiplex congenita 6. Last evaluated: 2024-02-08. Review status: criteria provided, single submitter. Criteria: ACMG Guidelines, 2015. Collection method: clinical testing. Allele origin: unknown.

Labcorp Genetics (formerly Invitae), Labcorp
Classification: Pathogenic for Nemaline myopathy 2. Last evaluated: 2023-11-24. Review status: criteria provided, single submitter. Criteria: Invitae Variant Classification Sherloc (09022015). Collection method: clinical testing. Allele origin: germline.
Comment: This sequence change creates a premature translational stop signal (p.Arg7646*) in the NEB gene. It is expected to result in an absent or disrupted protein product. Loss-of-function variants in NEB are known to be pathogenic (PMID: 25205138). This variant is present in population databases (rs555582398, gnomAD 0.006%). This premature translational stop signal has been observed in individuals with nemaline myopathy (PMID: 16917880, 25205138). This variant is also known as g.216623C>T (p.Arg5910X). ClinVar contains an entry for this variant (Variation ID: 918157). For these reasons, this variant has been classified as Pathogenic.

Revvity Omics, Revvity
Classification: Pathogenic. Last evaluated: 2021-12-01. Review status: criteria provided, single submitter. Criteria: ACMG Guidelines, 2015. Collection method: clinical testing. Allele origin: germline.

Women's Health and Genetics/Laboratory Corporation of America, LabCorp
Classification: Pathogenic for Nemaline myopathy. Last evaluated: 2020-03-30. Review status: criteria provided, single submitter. Criteria: LabCorp Variant Classification Summary - May 2015. Collection method: clinical testing. Allele origin: germline.
Comment: Variant summary: NEB c.22936C>T (p.Arg7646X) results in a premature termination codon, predicted to cause a truncation of the encoded protein or absence of the protein due to nonsense mediated decay, which are commonly known mechanisms for disease. Truncations downstream of this position have been classified as pathogenic by our laboratory. At least one publication reports experimental evidence that this variant affects mRNA splicing (Xiong_2015). The variant allele was found at a frequency of 1.2e-05 in 247810 control chromosomes. c.22936C>T has been reported in the literature in individuals affected with Nemaline Myopathy (example, Piga_2016, Lehtokari_2014). These data indicate that the variant is likely to be associated with disease. No clinical diagnostic laboratories have submitted clinical-significance assessments for this variant to ClinVar after 2014. Based on the evidence outlined above, the variant was classified as pathogenic.

Juno Genomics, Hangzhou Juno Genomics, Inc
Classification: Pathogenic for Arthrogryposis multiplex congenita 6; Nemaline myopathy 2. Review status: criteria provided, single submitter. Criteria: ACMG Guidelines, 2015. Collection method: clinical testing. Allele origin: germline.
Comment: Null variant in a gene where loss of function (LOF) is a known mechanism of disease.;Absent from controls (or at extremely low frequency if recessive) in Genome Aggregation Database.;Patient's phenotype or family history is highly specific for a disease with a single genetic etiology.

Genome Diagnostics Laboratory, Amsterdam University Medical Center
Classification: Likely pathogenic. Review status: no assertion criteria provided. Collection method: clinical testing. Allele origin: germline. Affected: yes. Study: VKGL Data-share Consensus. Not counted in ClinVar's aggregate classification.

Joint Genome Diagnostic Labs from Nijmegen and Maastricht, Radboudumc and MUMC+
Classification: Pathogenic. Review status: no assertion criteria provided. Collection method: clinical testing. Allele origin: germline. Affected: yes. Study: VKGL Data-share Consensus. Not counted in ClinVar's aggregate classification.

Literature cited by the submitters: PubMed 25205138 (cited by 3 submitters); PubMed 16917880 (cited by Labcorp Genetics (formerly Invitae), Labcorp); PubMed 25525159 (cited by Women's Health and Genetics/Laboratory Corporation of America, LabCorp); PubMed 30467404 (cited by Women's Health and Genetics/Laboratory Corporation of America, LabCorp); PubMed 27105866 (cited by Women's Health and Genetics/Laboratory Corporation of America, LabCorp).